The following is an entry in ClinVar:

NM_025114.4(CEP290):c.1953G>A (p.Met651Ile)

Gene: CEP290 (centrosomal protein 290; minus strand). Cytogenetic location: 12q21.32.
Variant type: single nucleotide variant.
Coding change: c.1953G>A on transcript NM_025114.4 (MANE Select); coding-DNA position 1953, G replaced by A.
Protein change: p.Met651Ile; replaces methionine 651 with isoleucine.
Molecular consequence: missense variant.
Genome position (GRCh38, 1-based): chr12:88,114,519, C>T on the plus strand (G>A on the coding strand, the complement: CEP290 is on the minus strand). VCF-style: chr12-88114519-C-T. GRCh37 (hg19) VCF-style: chr12-88508296-C-T.
Other names: short protein forms M651I.
Identifiers: ClinVar variation 1450556 (VCV001450556.7), dbSNP rs1402439930, ClinGen allele CA385976943.

ClinVar aggregate classification (germline): Uncertain significance (1 of 4 stars; one submission).

Conditions:
Nephronophthisis. Also called: Juvenile Nephronophthisis. Identifiers: Orphanet 655, MedGen C0687120, MONDO:0019005, HP:0000090.
Meckel-Gruber syndrome. Also called: DYSENCEPHALIA SPLANCHNOCYSTICA; GRUBER SYNDROME; Dysencephalia splachnocystica. Identifiers: Orphanet 564, MedGen C0265215, MONDO:0018921.
Joubert syndrome. Also called: CEREBELLOPARENCHYMAL DISORDER IV; JOUBERT-BOLTSHAUSER SYNDROME; Familial aplasia of the vermis. Identifiers: Orphanet 475, MedGen C5979921, MONDO:0018772.

Allele frequency attached by ClinVar (database versions not stated): gnomAD exomes below 0.00001 and 0.00001.
gnomAD v4.1: 1 of 1,542,156 alleles (0.000065%); highest among the groups gnomAD compares: East Asian, 0.0025%; no homozygotes.

Submission:

Labcorp Genetics (formerly Invitae), Labcorp
Classification: Uncertain significance for Joubert syndrome; Meckel-Gruber syndrome; Nephronophthisis. Last evaluated: 2024-10-16. Review status: criteria provided, single submitter. Criteria: Invitae Variant Classification Sherloc (09022015). Collection method: clinical testing. Allele origin: germline.
Comment: This sequence change replaces methionine, which is neutral and non-polar, with isoleucine, which is neutral and non-polar, at codon 651 of the CEP290 protein (p.Met651Ile). The frequency data for this variant in the population databases is considered unreliable, as metrics indicate poor data quality at this position in the gnomAD database. This variant has not been reported in the literature in individuals affected with CEP290-related conditions. ClinVar contains an entry for this variant (Variation ID: 1450556). Invitae Evidence Modeling of protein sequence and biophysical properties (such as structural, functional, and spatial information, amino acid conservation, physicochemical variation, residue mobility, and thermodynamic stability) has been performed for this missense variant. However, the output from this modeling did not meet the statistical confidence thresholds required to predict the impact of this variant on CEP290 protein function. In summary, the available evidence is currently insufficient to determine the role of this variant in disease. Therefore, it has been classified as a Variant of Uncertain Significance.